The following is an entry in ClinVar:

ClinVar aggregate classification (germline): Uncertain significance (1 of 4 stars; one submission).

Conditions:
Infantile spasms. Also called: Infantile spasm. Identifiers: MedGen C3887898, HP:0012469.

Submission:

Labcorp Genetics (formerly Invitae), Labcorp
Classification: Uncertain significance for Infantile spasms. Last evaluated: 2022-08-06. Review status: criteria provided, single submitter. Criteria: Invitae Variant Classification Sherloc (09022015). Collection method: clinical testing. Allele origin: germline.
Comment: Information on the frequency of this variant in the gnomAD database is not available, as this variant may be reported differently in the database. In summary, the available evidence is currently insufficient to determine the role of this variant in disease. Therefore, it has been classified as a Variant of Uncertain Significance. Experimental studies and prediction algorithms are not available or were not evaluated, and the effect of this variant on mRNA splicing is currently unknown. This variant has not been reported in the literature in individuals affected with PIK3AP1-related conditions. This sequence change falls in intron 10 of the PIK3AP1 gene. It does not directly change the encoded amino acid sequence of the PIK3AP1 protein.

NM_152309.3(PIK3AP1):c.1669+10_1669+11delinsTT

Gene: PIK3AP1 (phosphoinositide-3-kinase adaptor protein 1; minus strand). Cytogenetic location: 10q24.1.
Variant type: Indel.
Coding change: c.1669+10_1669+11delinsTT on transcript NM_152309.3 (MANE Select); bases 10 to 11 of the intron after coding-DNA position 1669, GC replaced by TT.
Molecular consequence: intron variant.
Genome position (GRCh38, 1-based): chr10:96,626,697-96,626,698, GC replaced by AA on the plus strand (GC replaced by TT on the coding strand, the reverse complement: PIK3AP1 is on the minus strand). VCF-style: chr10-96626697-GC-AA. GRCh37 (hg19) VCF-style: chr10-98386454-GC-AA.
Identifiers: ClinVar variation 1998798 (VCV001998798.4), dbSNP rs2493661206, ClinGen allele CA2580082528.